The following is an entry in ClinVar:

NM_024757.5(EHMT1):c.1382A>G (p.Tyr461Cys)

Gene: EHMT1 (euchromatic histone lysine methyltransferase 1; plus strand). Cytogenetic location: 9q34.3.
Variant type: single nucleotide variant.
Coding change: c.1382A>G on transcript NM_024757.5 (MANE Select); coding-DNA position 1382, A replaced by G.
Protein change: p.Tyr461Cys; replaces tyrosine 461 with cysteine.
Molecular consequence: missense variant.
Genome position (GRCh38, 1-based): chr9:137,757,892, A>G. VCF-style: chr9-137757892-A-G. GRCh37 (hg19) VCF-style: chr9-140652344-A-G.
Other names: c.1382A>G, p.Tyr461Cys (NM_001145527.2, NM_001354611.2); c.1289A>G, p.Tyr430Cys (NM_001354259.2, NM_001354612.2); c.1361A>G, p.Tyr454Cys (NM_001354263.2); short protein forms Y461C, Y454C, Y430C.
Identifiers: ClinVar variation 462978 (VCV000462978.24), dbSNP rs576338391, ClinGen allele CA5374611.

ClinVar aggregate classification (germline): Likely benign. Review status: criteria provided, multiple submitters, no conflicts (2 of 4 stars). 2 submissions from 2 submitters: Likely benign (2). Last evaluated 2025-05-05.

Conditions:
Kleefstra syndrome 1 (KLEFS1). Identifiers: Orphanet 261494, MedGen C0795833, MONDO:0027407, OMIM 610253.

Allele frequency attached by ClinVar (database versions not stated): gnomAD 0.00001; gnomAD exomes 0.00001; ExAC 0.00002; 1000 Genomes Project 30x 0.00016; 1000 Genomes Project 0.00020.
gnomAD v4.1: 32 of 1,614,032 alleles (0.002%); highest among the groups gnomAD compares: Non-Finnish European, 0.0025%; no homozygotes.

Submissions (2):

Labcorp Genetics (formerly Invitae), Labcorp
Classification: Likely benign for Kleefstra syndrome 1. Last evaluated: 2025-05-05. Review status: criteria provided, single submitter. Criteria: Invitae Variant Classification Sherloc (09022015). Collection method: clinical testing. Allele origin: germline.

CeGaT Center for Human Genetics Tuebingen
Classification: Likely benign. Last evaluated: 2024-10-01. Review status: criteria provided, single submitter. Criteria: CeGaT Center For Human Genetics Tuebingen Variant Classification Criteria Version 2. Collection method: clinical testing. Allele origin: germline. Affected: yes. Observed: 1 variant allele.
Comment: EHMT1: BP4, BS2